The following is an entry in ClinVar:

ClinVar aggregate classification (germline): Benign. Review status: criteria provided, multiple submitters, no conflicts (2 of 4 stars). 4 submissions from 3 submitters: Benign (4). Last evaluated 2023-07-01.

Conditions:
Adult-onset proximal spinal muscular atrophy, autosomal dominant. Also called: Spinal muscular atrophy, late-onset, finkel type; FINKEL LATE-ADULT TYPE SMA. Identifiers: Orphanet 209335, MedGen C1854058, MONDO:0008453, OMIM 182980.
Amyotrophic lateral sclerosis type 8 (ALS8). Identifiers: Orphanet 803, MedGen C1837728, MONDO:0012077, OMIM 608627.

Allele frequency attached by ClinVar (database versions not stated): 1000 Genomes Project 30x 0.00156; 1000 Genomes Project 0.00160; ExAC 0.00418; gnomAD exomes 0.00637 and 0.00781; TOPMed 0.00640; gnomAD 0.00643 and 0.00734.
gnomAD v4.1: 3,437 of 453,914 alleles (0.76%); highest among the groups gnomAD compares: Non-Finnish European, 1.1%; 33 homozygotes.

Submissions (4):

CeGaT Center for Human Genetics Tuebingen
Classification: Benign. Last evaluated: 2023-07-01. Review status: criteria provided, single submitter. Criteria: CeGaT Center For Human Genetics Tuebingen Variant Classification Criteria Version 2. Collection method: clinical testing. Allele origin: germline. Affected: yes. Observed: 7 variant alleles.
Comment: VAPB: BS1, BS2

Illumina Laboratory Services, Illumina
Classification: Benign for Amyotrophic lateral sclerosis type 8. Last evaluated: 2018-01-12. Review status: criteria provided, single submitter. Criteria: ICSL Variant Classification Criteria 13 December 2019. Collection method: clinical testing. Allele origin: germline.
Comment: This variant was observed in the ICSL laboratory as part of a predisposition screen in an ostensibly healthy population. It had not been previously curated by ICSL or reported in the Human Gene Mutation Database (HGMD: prior to June 1st, 2018), and was therefore a candidate for classification through an automated scoring system. Utilizing variant allele frequency, disease prevalence and penetrance estimates, and inheritance mode, an automated score was calculated to assess if this variant is too frequent to cause the disease. Based on the score and internal cut-off values, a variant classified as benign is not then subjected to further curation. The score for this variant resulted in a classification of benign for this disease.

Illumina Laboratory Services, Illumina
Classification: Benign for Adult-onset proximal spinal muscular atrophy, autosomal dominant. Last evaluated: 2018-01-12. Review status: criteria provided, single submitter. Criteria: ICSL Variant Classification Criteria 13 December 2019. Collection method: clinical testing. Allele origin: germline.
Comment: the same text as in the submission from Illumina Laboratory Services, Illumina above.

Breakthrough Genomics
Classification: Benign. Review status: criteria provided, single submitter. Criteria: ACMG Guidelines, 2015. Collection method: not provided. Allele origin: germline. Inheritance: Autosomal dominant inheritance. Affected: yes.

NM_004738.5(VAPB):c.*6088C>T

Gene: VAPB (VAMP associated protein B and C; plus strand). Cytogenetic location: 20q13.32.
Variant type: single nucleotide variant.
Coding change: c.*6088C>T on transcript NM_004738.5 (MANE Select); 6088 bases downstream of the stop codon, C replaced by T.
Molecular consequence: 3 prime UTR variant. On other transcripts: non-coding transcript variant (1).
Genome position (GRCh38, 1-based): chr20:58,450,323, C>T. VCF-style: chr20-58450323-C-T. GRCh37 (hg19) VCF-style: chr20-57025379-C-T.
Other names: c.*6158C>T (NM_001195677.2).
Identifiers: ClinVar variation 339017 (VCV000339017.34), dbSNP rs147304840, ClinGen allele CA9924662.